The following is an entry in ClinVar:

NM_002529.4(NTRK1):c.250C>G (p.Leu84Val)

Gene: NTRK1 (neurotrophic receptor tyrosine kinase 1; plus strand). Cytogenetic location: 1q23.1.
Variant type: single nucleotide variant.
Coding change: c.250C>G on transcript NM_002529.4 (MANE Select); coding-DNA position 250, C replaced by G.
Protein change: p.Leu84Val; replaces leucine 84 with valine.
Molecular consequence: missense variant.
Genome position (GRCh38, 1-based): chr1:156,864,391, C>G. VCF-style: chr1-156864391-C-G. GRCh37 (hg19) VCF-style: chr1-156834183-C-G.
Other names: c.160C>G, p.Leu54Val (NM_001007792.1); c.250C>G, p.Leu84Val (NM_001012331.2); short protein forms L54V, L84V.
Identifiers: ClinVar variation 3660628 (VCV003660628.2).

ClinVar aggregate classification (germline): Uncertain significance (1 of 4 stars; one submission).

Conditions:
Hereditary insensitivity to pain with anhidrosis (CIPA). Also called: NEUROPATHY, CONGENITAL SENSORY, WITH ANHIDROSIS; hereditary sensory and autonomic neuropathy type 4; NTRK1 Congenital Insensitivity to Pain with Anhidrosis; INSENSITIVITY TO PAIN, CONGENITAL, WITH ANHIDROSIS; FAMILIAL DYSAUTONOMIA, TYPE II; HSAN Type IV. Identifiers: Orphanet 642, MedGen C0020074, MONDO:0009746, OMIM 256800.

Submission:

Labcorp Genetics (formerly Invitae), Labcorp
Classification: Uncertain significance for Hereditary insensitivity to pain with anhidrosis. Last evaluated: 2024-09-27. Review status: criteria provided, single submitter. Criteria: Invitae Variant Classification Sherloc (09022015). Collection method: clinical testing. Allele origin: germline.
Comment: This sequence change replaces leucine, which is neutral and non-polar, with valine, which is neutral and non-polar, at codon 84 of the NTRK1 protein (p.Leu84Val). This variant is not present in population databases (gnomAD no frequency). This variant has not been reported in the literature in individuals affected with NTRK1-related conditions. Invitae Evidence Modeling of protein sequence and biophysical properties (such as structural, functional, and spatial information, amino acid conservation, physicochemical variation, residue mobility, and thermodynamic stability) has been performed for this missense variant. However, the output from this modeling did not meet the statistical confidence thresholds required to predict the impact of this variant on NTRK1 protein function. Algorithms developed to predict the effect of sequence changes on RNA splicing suggest that this variant may disrupt the consensus splice site. In summary, the available evidence is currently insufficient to determine the role of this variant in disease. Therefore, it has been classified as a Variant of Uncertain Significance.